The following is an entry in ClinVar:

Conditions:
Breast-ovarian cancer, familial, susceptibility to, 1 (BROVCA1). Also called: BRCA1 Hereditary Breast and Ovarian Cancer; OVARIAN CANCER, SUSCEPTIBILITY TO. Identifiers: Orphanet 145, MedGen C2676676, MONDO:0011450, OMIM 604370. Disease mechanism: loss of function.

Submission:

Brotman Baty Institute, University of Washington
No classification provided (evidence only). Condition: Breast-ovarian cancer, familial 1. Review status: no classification provided. Collection method: in vitro. Allele origin: not applicable. Functional consequence: functionally_normal.
ClinVar note: "not provided" was previously submitted as the classification for the variant. However, the classification appeared to be based only on an observation of functional data so it was converted to no classification on 2025-07-30.

NM_007294.4(BRCA1):c.250G>C (p.Glu84Gln)

Gene: BRCA1 (BRCA1 DNA repair associated; minus strand). Cytogenetic location: 17q21.31.
Variant type: single nucleotide variant.
Coding change: c.250G>C on transcript NM_007294.4 (MANE Select); coding-DNA position 250, G replaced by C.
Protein change: p.Glu84Gln; replaces glutamic acid 84 with glutamine.
Molecular consequence: missense variant. On other transcripts: non-coding transcript variant (1).
Genome position (GRCh38, 1-based): chr17:43,104,919, C>G on the plus strand (G>C on the coding strand, the complement: BRCA1 is on the minus strand). VCF-style: chr17-43104919-C-G. GRCh37 (hg19) VCF-style: chr17-41256936-C-G.
Other names: c.40G>C, p.Glu14Gln (NM_001407571.1, NM_001407853.1, NM_001407879.1 and 58 more transcripts); c.250G>C, p.Glu84Gln (NM_001407581.1, NM_001407582.1, NM_001407583.1 and 168 more transcripts); c.172G>C, p.Glu58Gln (NM_001407653.1, NM_001407654.1, NM_001407655.1 and 21 more transcripts); c.109G>C, p.Glu37Gln (NM_001407692.1, NM_001407694.1, NM_001407695.1 and 99 more transcripts); c.-132G>C (NM_001407959.1, NM_001407960.1, NM_001407962.1 and 4 more transcripts); c.118G>C, p.Glu40Gln (NM_001408451.1); short protein forms E37Q, E84Q, E58Q, E14Q, E40Q.
Identifiers: ClinVar variation 865328 (VCV000865328.3), dbSNP rs398122661, ClinGen allele CA10601656.